The following is an entry in ClinVar:

ClinVar aggregate classification (germline): Uncertain significance (1 of 4 stars; one submission).

Allele frequency attached by ClinVar (database versions not stated): TOPMed below 0.00001.

Submission:

Women's Health and Genetics/Laboratory Corporation of America, LabCorp
Classification: Uncertain significance. Last evaluated: 2024-02-07. Review status: criteria provided, single submitter. Criteria: LabCorp Variant Classification Summary - May 2015. Collection method: clinical testing. Allele origin: germline.
Comment: Variant summary: NOTCH3 c.-5C>T is located in the untranslated mRNA region upstream of the initiation codon. The frequency data for this variant in gnomAD is considered unreliable, as metrics indicate poor data quality at this position. To our knowledge, no occurrence of c.-5C>T in individuals affected with NOTCH3-Related Disorders and no experimental evidence demonstrating its impact on protein function have been reported. No submitters have cited clinical-significance assessments for this variant to ClinVar. Based on the evidence outlined above, the variant was classified as uncertain significance.

NM_000435.3(NOTCH3):c.-5C>T

Gene: NOTCH3 (notch receptor 3; minus strand). Cytogenetic location: 19p13.12.
Variant type: single nucleotide variant.
Coding change: c.-5C>T on transcript NM_000435.3 (MANE Select); 5 bases upstream of the start codon, C replaced by T.
Molecular consequence: 5 prime UTR variant.
Genome position (GRCh38, 1-based): chr19:15,200,910, G>A on the plus strand (C>T on the coding strand, the complement: NOTCH3 is on the minus strand). VCF-style: chr19-15200910-G-A. GRCh37 (hg19) VCF-style: chr19-15311721-G-A.
Identifiers: ClinVar variation 3068874 (VCV003068874.2), dbSNP rs1016928278, ClinGen allele CA305745442.
Genomic context (GRCh38, chr19:15,200,910, plus strand): 5'-GGTGGCGGCGACATCGGGCGACGGCGGCGGCGGCGGCCACGGGCCCCCGGCCCCATGGCG[G>A]CCGGCCGCGACCCTCCCCTCCTCCCTCCTTCCCTGGGCTCCGGGCGCGTCCCGGGCCAGC-3'